The following is an entry in ClinVar:

NM_001006630.2(CHRM2):c.169G>A (p.Val57Ile)

Genes: CHRM2 (cholinergic receptor muscarinic 2; plus strand), LOC349160 (uncharacterized LOC349160; minus strand). Cytogenetic location: 7q33.
Variant type: single nucleotide variant.
Coding change: c.169G>A on transcript NM_001006630.2 (MANE Select); coding-DNA position 169, G replaced by A.
Protein change: p.Val57Ile; replaces valine 57 with isoleucine.
Molecular consequence: missense variant.
Genome position (GRCh38, 1-based): chr7:137,015,034, G>A. VCF-style: chr7-137015034-G-A. GRCh37 (hg19) VCF-style: chr7-136699781-G-A.
Other names: c.169G>A, p.Val57Ile (NM_000739.3, NM_001006626.3, NM_001006627.3 and 6 more transcripts); short protein forms V57I.
Identifiers: ClinVar variation 835459 (VCV000835459.10), dbSNP rs143842239, ClinGen allele CA4500509.
Genomic context (GRCh38, chr7:137,015,034, plus strand): 5'-ACCATTATCGGGAACATCCTAGTCATGGTTTCCATTAAAGTCAACCGCCACCTCCAGACC[G>A]TCAACAATTACTTTTTATTCAGCTTGGCCTGTGCTGACCTTATCATAGGTGTTTTCTCCA-3'
Protein context (NP_001006631.1, residues 47-67): SIKVNRHLQT[Val57Ile]NNYFLFSLAC

ClinVar aggregate classification (germline): Uncertain significance (1 of 4 stars; one submission).

Allele frequency attached by ClinVar (database versions not stated): gnomAD 0.00005 and 0.00006; gnomAD exomes 0.00006 and 0.00003; 1000 Genomes Project 30x 0.00016; 1000 Genomes Project 0.00020; TOPMed 0.00004; ExAC 0.00007; ESP Exome Variant Server 0.00008.
gnomAD v4.1: 57 of 1,613,302 alleles (0.0035%); highest among the groups gnomAD compares: South Asian, 0.018%; no homozygotes.

Submission:

Labcorp Genetics (formerly Invitae), Labcorp
Classification: Uncertain significance. Last evaluated: 2025-08-16. Review status: criteria provided, single submitter. Criteria: Invitae Variant Classification Sherloc (09022015). Collection method: clinical testing. Allele origin: germline.
Comment: This sequence change replaces valine, which is neutral and non-polar, with isoleucine, which is neutral and non-polar, at codon 57 of the CHRM2 protein (p.Val57Ile). This variant is present in population databases (rs143842239, gnomAD 0.02%). This variant has not been reported in the literature in individuals affected with CHRM2-related conditions. ClinVar contains an entry for this variant (Variation ID: 835459). An algorithm developed to predict the effect of missense changes on protein structure and function (PolyPhen-2) suggests that this variant is likely to be disruptive. In summary, the available evidence is currently insufficient to determine the role of this variant in disease. Therefore, it has been classified as a Variant of Uncertain Significance.